The following is an entry in ClinVar:

ClinVar aggregate classification (germline): Uncertain significance (1 of 4 stars; one submission).

Allele frequency attached by ClinVar (database versions not stated): gnomAD exomes below 0.00001.
gnomAD v4.1: 2 of 1,613,846 alleles (0.00012%); highest among the groups gnomAD compares: Admixed American, 0.0017%; no homozygotes.

Submission:

Ambry Genetics
Classification: Uncertain significance. Last evaluated: 2022-10-03. Review status: criteria provided, single submitter. Criteria: Ambry Variant Classification Scheme 2023. Collection method: clinical testing. Allele origin: germline.
Comment: The p.I2480V variant (also known as c.7438A>G), located in coding exon 28 of the POLQ gene, results from an A to G substitution at nucleotide position 7438. The isoleucine at codon 2480 is replaced by valine, an amino acid with highly similar properties. This amino acid position is conserved. In addition, the in silico prediction for this alteration is inconclusive. Since supporting evidence is limited at this time, the clinical significance of this alteration remains unclear.

NM_199420.4(POLQ):c.7438A>G (p.Ile2480Val)

Gene: POLQ (DNA polymerase theta; minus strand). Cytogenetic location: 3q13.33.
Variant type: single nucleotide variant.
Coding change: c.7438A>G on transcript NM_199420.4 (MANE Select); coding-DNA position 7438, A replaced by G.
Protein change: p.Ile2480Val; replaces isoleucine 2480 with valine.
Molecular consequence: missense variant.
Genome position (GRCh38, 1-based): chr3:121,436,227, T>C on the plus strand (A>G on the coding strand, the complement: POLQ is on the minus strand). VCF-style: chr3-121436227-T-C. GRCh37 (hg19) VCF-style: chr3-121155074-T-C.
Other names: short protein forms I2480V.
Identifiers: ClinVar variation 1758908 (VCV001758908.2), dbSNP rs1259450913, ClinGen allele CA354096069.
Genomic context (GRCh38, chr3:121,436,227, plus strand): 5'-TGAAGGTTGAGTGGAAGGTCTCTAATTGCTTCTGAATGTTAACTGTGGCTATTTTGACAA[T>C]ATCAGCTGCTGATCCTTGGACTATTGTGTTGATAGCTTGACGCTCAGCCTAGAAAAAACA-3'
Protein context (NP_955452.3, residues 2470-2490): NTIVQGSAAD[Ile2480Val]VKIATVNIQK